The following is an entry in ClinVar:

NM_001039591.3(USP9X):c.5948T>C (p.Met1983Thr)

Gene: USP9X (ubiquitin specific peptidase 9 X-linked; plus strand). Cytogenetic location: Xp11.4.
Variant type: single nucleotide variant.
Coding change: c.5948T>C on transcript NM_001039591.3 (MANE Select); coding-DNA position 5948, T replaced by C.
Protein change: p.Met1983Thr; replaces methionine 1983 with threonine.
Molecular consequence: missense variant.
Genome position (GRCh38, 1-based): chrX:41,216,515, T>C. VCF-style: chrX-41216515-T-C. GRCh37 (hg19) VCF-style: chrX-41075768-T-C.
Other names: c.5948T>C, p.Met1983Thr (NM_001039590.3); c.5963T>C, p.Met1988Thr (NM_001410748.1, NM_001410749.1, NM_001437534.1); short protein forms M1983T, M1988T.
Identifiers: ClinVar variation 4537375 (VCV004537375.1).
Genomic context (GRCh38, chrX:41,216,515, plus strand): 5'-ATGAGTTGATAAGATATATATCAGAGCTTGCTATCACCACCAGACCTCATCAGATTATTA[T>C]GCCATCAGCCATTGAGAGAAGTGTACGGAAACAGAACGTACAATTCATGCATAACCGAAT-3'
Protein context (NP_001034680.2, residues 1973-1993): AITTRPHQII[Met1983Thr]PSAIERSVRK

ClinVar aggregate classification (germline): Uncertain significance (1 of 4 stars; one submission).

Conditions:
Intellectual developmental disorder, X-linked 99. Also called: Intellectual disability, X-linked 99. Identifiers: Orphanet 777, MedGen C3806746, MONDO:0010487, OMIM 300919.

Submission:

Genetics Department, Catlab
Classification: Uncertain significance for Intellectual developmental disorder, X-linked 99. Last evaluated: 2025-06-02. Review status: criteria provided, single submitter. Criteria: ACMG Guidelines, 2015. Collection method: clinical testing. Allele origin: germline. Affected: yes. Observed: 1 variant allele.
Comment: The c.5948T>C variant is absent from gnomAD v4.1 (PM2_moderate) and the missense z-score assigned to the USP9X gene is 6.42 (PP2_supporting). With all the available evidence, the variant is classified as of uncertain significance.